The following is an entry in ClinVar:

ClinVar aggregate classification (germline): Uncertain significance. Review status: criteria provided, multiple submitters, no conflicts (2 of 4 stars). 2 submissions from 2 submitters: Uncertain significance (2). Last evaluated 2025-04-04.

Conditions:
Inborn genetic diseases. Identifiers: MedGen C0950123, MeSH D030342.
Immunodeficiency, common variable, 10. Also called: IMMUNODEFICIENCY, COMMON VARIABLE, WITH CENTRAL ADRENAL INSUFFICIENCY; DEFICIT IN ANTERIOR PITUITARY FUNCTION AND VARIABLE IMMUNODEFICIENCY. Identifiers: MedGen C3809991, MONDO:0014260, OMIM 615577.

Submissions (2):

Ambry Genetics
Classification: Uncertain significance for Inborn genetic diseases. Last evaluated: 2025-04-04. Review status: criteria provided, single submitter. Criteria: Ambry Variant Classification Scheme 2023. Collection method: clinical testing. Allele origin: germline.

Labcorp Genetics (formerly Invitae), Labcorp
Classification: Uncertain significance for Immunodeficiency, common variable, 10. Last evaluated: 2024-03-25. Review status: criteria provided, single submitter. Criteria: Invitae Variant Classification Sherloc (09022015). Collection method: clinical testing. Allele origin: germline.
Comment: This sequence change replaces methionine, which is neutral and non-polar, with isoleucine, which is neutral and non-polar, at codon 146 of the NFKB2 protein (p.Met146Ile). This variant is present in population databases (rs377480135, gnomAD 0.01%). This variant has not been reported in the literature in individuals affected with NFKB2-related conditions. An algorithm developed to predict the effect of missense changes on protein structure and function (PolyPhen-2) suggests that this variant is likely to be tolerated. In summary, the available evidence is currently insufficient to determine the role of this variant in disease. Therefore, it has been classified as a Variant of Uncertain Significance.

NM_001322934.2(NFKB2):c.438G>C (p.Met146Ile)

Gene: NFKB2 (nuclear factor kappa B subunit 2; plus strand). Cytogenetic location: 10q24.32.
Variant type: single nucleotide variant.
Coding change: c.438G>C on transcript NM_001322934.2 (MANE Select); coding-DNA position 438, G replaced by C.
Protein change: p.Met146Ile; replaces methionine 146 with isoleucine.
Molecular consequence: missense variant.
Genome position (GRCh38, 1-based): chr10:102,397,344, G>C. VCF-style: chr10-102397344-G-C. GRCh37 (hg19) VCF-style: chr10-104157101-G-C.
Other names: c.438G>C (NM_001077494.1); c.438G>C, p.Met146Ile (NM_001077494.3, NM_001261403.3, NM_001288724.1 and 2 more transcripts); short protein forms M146I.
Identifiers: ClinVar variation 3624004 (VCV003624004.3).
Genomic context (GRCh38, chr10:102,397,344, plus strand): 5'-CCGATTCTCTCTTCTCAGATTTAACAACCTGGGTGTCCTGCATGTGACTAAGAAGAACAT[G>C]ATGGGGACTATGATACAAAAACTTCAGAGGCAGCGGCTCCGCTCTAGGCCCCAGGGCCTT-3'
Protein context (NP_001309863.1, residues 136-156): LGVLHVTKKN[Met146Ile]MGTMIQKLQR